The following is an entry in ClinVar:

ClinVar aggregate classification (germline): Uncertain significance. Review status: criteria provided, multiple submitters, no conflicts (2 of 4 stars). 2 submissions from 2 submitters: Uncertain significance (2). Last evaluated 2025-11-08.

Allele frequency attached by ClinVar (database versions not stated): ExAC 0.00001.
gnomAD v4.1: 5 of 1,610,622 alleles (0.00031%); highest among the groups gnomAD compares: Non-Finnish European, 0.00025%; no homozygotes.

Submissions (2):

Ambry Genetics
Classification: Uncertain significance. Last evaluated: 2025-11-08. Review status: criteria provided, single submitter. Criteria: Ambry Variant Classification Scheme 2023. Collection method: clinical testing. Allele origin: germline.

Labcorp Genetics (formerly Invitae), Labcorp
Classification: Uncertain significance. Last evaluated: 2024-02-22. Review status: criteria provided, single submitter. Criteria: Invitae Variant Classification Sherloc (09022015). Collection method: clinical testing. Allele origin: germline.
Comment: This sequence change replaces arginine, which is basic and polar, with leucine, which is neutral and non-polar, at codon 96 of the POLE2 protein (p.Arg96Leu). This variant is not present in population databases (gnomAD no frequency). This variant has not been reported in the literature in individuals affected with POLE2-related conditions. An algorithm developed to predict the effect of missense changes on protein structure and function (PolyPhen-2) suggests that this variant is likely to be tolerated. Algorithms developed to predict the effect of sequence changes on RNA splicing suggest that this variant may disrupt the consensus splice site. In summary, the available evidence is currently insufficient to determine the role of this variant in disease. Therefore, it has been classified as a Variant of Uncertain Significance.

NM_002692.4(POLE2):c.287G>T (p.Arg96Leu)

Gene: POLE2 (DNA polymerase epsilon 2, accessory subunit; minus strand). Cytogenetic location: 14q21.3.
Variant type: single nucleotide variant.
Coding change: c.287G>T on transcript NM_002692.4 (MANE Select); coding-DNA position 287, G replaced by T.
Protein change: p.Arg96Leu; replaces arginine 96 with leucine.
Molecular consequence: missense variant. On other transcripts: intron variant (1).
Genome position (GRCh38, 1-based): chr14:49,674,386, C>A on the plus strand (G>T on the coding strand, the complement: POLE2 is on the minus strand). VCF-style: chr14-49674386-C-A. GRCh37 (hg19) VCF-style: chr14-50141104-C-A.
Other names: c.287G>T (NM_002692.3); c.287G>T, p.Arg96Leu (NM_001197331.3, NM_001348384.2); c.56G>T, p.Arg19Leu (NM_001348385.2); c.246-170G>T (NM_001197330.2); short protein forms R96L, R19L.
Identifiers: ClinVar variation 2979539 (VCV002979539.4), dbSNP rs759771973, ClinGen allele CA7173671.
Genomic context (GRCh38, chr14:49,674,386, plus strand): 5'-AAAATCAGTGGATGACATACTTACGGAAGAAATTTTTTTCTTTCTGAATTGTACACAAAG[C>A]GTGGAATATCAAATGCTCCTATGATATTGAAAACGTGCTCTCTGAAAAACATCCCACAAA-3'
Protein context (NP_002683.2, residues 86-106): FNIIGAFDIP[Arg96Leu]FVYNSERKKF